The following is an entry in ClinVar:

NM_000059.4(BRCA2):c.3820A>G (p.Lys1274Glu)

Gene: BRCA2 (BRCA2 DNA repair associated; plus strand). Cytogenetic location: 13q13.1.
Variant type: single nucleotide variant.
Coding change: c.3820A>G on transcript NM_000059.4 (MANE Select); coding-DNA position 3820, A replaced by G.
Protein change: p.Lys1274Glu; replaces lysine 1274 with glutamic acid.
Molecular consequence: missense variant. On other transcripts: non-coding transcript variant (1), intron variant (2).
Genome position (GRCh38, 1-based): chr13:32,338,175, A>G. VCF-style: chr13-32338175-A-G. GRCh37 (hg19) VCF-style: chr13-32912312-A-G.
Other names: c.3820A>G, p.Lys1274Glu (NM_001406719.1, NM_001406720.1); c.1909+4788A>G (NM_001406721.1); c.425-6383A>G (NM_001406722.1); short protein forms K1274E.
Identifiers: ClinVar variation 2693570 (VCV002693570.3), dbSNP rs2137500278, ClinGen allele CA387778481.

ClinVar aggregate classification (germline): Uncertain significance (1 of 4 stars; one submission).

Conditions:
Hereditary breast ovarian cancer syndrome. Also called: Hereditary breast and ovarian cancer syndrome (HBOC); Breast and ovarian cancer; Hereditary breast and ovarian cancer; Hereditary breast and ovarian cancer syndrome; BRCA1- and BRCA2-Associated Hereditary Breast and Ovarian Cancer; Hereditary breast and/or ovarian cancer syndrome. Identifiers: Orphanet 145, MedGen C0677776, MeSH D061325, MONDO:0003582. Disease mechanism: loss of function.

Submission:

Labcorp Genetics (formerly Invitae), Labcorp
Classification: Uncertain significance for Hereditary breast ovarian cancer syndrome. Last evaluated: 2023-11-06. Review status: criteria provided, single submitter. Criteria: Invitae Variant Classification Sherloc (09022015). Collection method: clinical testing. Allele origin: germline.
Comment: This sequence change replaces lysine, which is basic and polar, with glutamic acid, which is acidic and polar, at codon 1274 of the BRCA2 protein (p.Lys1274Glu). This variant is not present in population databases (gnomAD no frequency). This variant has not been reported in the literature in individuals affected with BRCA2-related conditions. Advanced modeling of protein sequence and biophysical properties (such as structural, functional, and spatial information, amino acid conservation, physicochemical variation, residue mobility, and thermodynamic stability) performed at Invitae indicates that this missense variant is not expected to disrupt BRCA2 protein function with a negative predictive value of 95%. In summary, the available evidence is currently insufficient to determine the role of this variant in disease. Therefore, it has been classified as a Variant of Uncertain Significance.